The following is an entry in ClinVar:

GRCh38/hg38 2q13(chr2:110119198-110222718)x1

Genes: MTLN (mitoregulin; minus strand), NPHP1 (nephrocystin 1; minus strand), LOC126806306 (P300/CBP strongly-dependent group 1 enhancer GRCh37_chr2:110906815-110908014; plus strand), LOC129934555 (ATAC-STARR-seq lymphoblastoid active region 16369; plus strand), LOC129934556 (ATAC-STARR-seq lymphoblastoid active region 16370; plus strand). Cytogenetic location: 2q13.
Variant type: copy number loss.
Change: copy number 1 (one copy instead of two) of chr2:110,119,198-110,222,718 (103.5 kb, GRCh38 coordinates, 1-based), cytogenetic band 2q13.
Identifiers: ClinVar variation 4796304 (VCV004796304.1).

ClinVar aggregate classification (germline): Uncertain significance (1 of 4 stars; one submission).

Submission:

Medical Genetic Center, Changzhi Maternal and Child Health Care Hospital
Classification: Uncertain significance. Last evaluated: 2025-12-10. Review status: criteria provided, single submitter. Criteria: ACMG/ClinGen CNV Guidelines, 2019. Collection method: clinical testing. Allele origin: unknown.